The following is an entry in ClinVar:

NM_001009944.3(PKD1):c.7237_7238del (p.Lys2413fs)

Gene: PKD1 (polycystin 1, transient receptor potential channel interacting; minus strand). Cytogenetic location: 16p13.3.
Variant type: Deletion.
Coding change: c.7237_7238del on transcript NM_001009944.3 (MANE Select); coding-DNA positions 7237 to 7238, 2 bases deleted (AA; older notation c.7237_7238delAA).
Protein change: p.Lys2413fs; shifts the reading frame from lysine 2413.
Molecular consequence: frameshift variant.
Genome position (GRCh38, 1-based): chr16:2,106,649-2,106,650, TT deleted on the plus strand (AA on the coding strand, the reverse complement: PKD1 is on the minus strand). VCF-style (leftmost placement, unchanged base first): chr16-2106648-CTT-C. GRCh37 (hg19) VCF-style: chr16-2156649-CTT-C.
Other names: c.7237_7238del, p.Lys2413fs (NM_000296.4); short protein forms K2413fs.
Identifiers: ClinVar variation 2498640 (VCV002498640.29), dbSNP rs2544782282, ClinGen allele CA2580090955.

ClinVar aggregate classification (germline): Pathogenic. Review status: criteria provided, multiple submitters, no conflicts (2 of 4 stars). 2 submissions from 2 submitters: Pathogenic (2). Last evaluated 2024-06-01.

Conditions:
Polycystic kidney disease, adult type (PKD1). Also called: Polycystic Kidney Disease 1, Autosomal Dominant; Polycystic kidney disease 1; Polycystic kidney disease 1, severe; Polycystic Kidney, Autosomal Dominant; POLYCYSTIC KIDNEY DISEASE 1 WITH OR WITHOUT POLYCYSTIC LIVER DISEASE; POLYCYSTIC KIDNEY DISEASE, ADULT, TYPE I. Identifiers: MedGen C3149841, MONDO:0008263, OMIM 173900.

Submissions (2):

CeGaT Center for Human Genetics Tuebingen
Classification: Pathogenic. Last evaluated: 2024-06-01. Review status: criteria provided, single submitter. Criteria: CeGaT Center For Human Genetics Tuebingen Variant Classification Criteria Version 2. Collection method: clinical testing. Allele origin: germline. Affected: yes. Observed: 2 variant alleles.
Comment: PKD1: PVS1, PM2, PS4:Supporting

Fulgent Genetics
Classification: Pathogenic for Polycystic kidney disease, adult type. Last evaluated: 2024-05-31. Review status: criteria provided, single submitter. Criteria: ACMG Guidelines, 2015. Collection method: clinical testing. Allele origin: germline.